The following is an entry in ClinVar:

NM_000465.4(BARD1):c.835T>C (p.Ser279Pro)

Gene: BARD1 (BRCA1 associated RING domain 1; minus strand). Cytogenetic location: 2q35.
Variant type: single nucleotide variant.
Coding change: c.835T>C on transcript NM_000465.4 (MANE Select); coding-DNA position 835, T replaced by C.
Protein change: p.Ser279Pro; replaces serine 279 with proline.
Molecular consequence: missense variant. On other transcripts: non-coding transcript variant (2), intron variant (3).
Genome position (GRCh38, 1-based): chr2:214,781,039, A>G on the plus strand (T>C on the coding strand, the complement: BARD1 is on the minus strand). VCF-style: chr2-214781039-A-G. GRCh37 (hg19) VCF-style: chr2-215645763-A-G.
Other names: c.778T>C, p.Ser260Pro (NM_001282543.2); c.158+28373T>C (NM_001282548.2); c.215+16022T>C (NM_001282545.2); c.364+11258T>C (NM_001282549.2); short protein forms S279P, S260P.
Identifiers: ClinVar variation 141051 (VCV000141051.26), dbSNP rs587781456, ClinGen allele CA333190.

ClinVar aggregate classification (germline): Conflicting classifications of pathogenicity. Review status: criteria provided, conflicting classifications (1 of 4 stars). 6 submissions from 6 submitters: Uncertain significance (4); Likely benign (1). 1 of the submissions does not count toward it. Last evaluated 2025-11-11.

Conditions:
Hereditary cancer-predisposing syndrome. Also called: Neoplastic Syndromes, Hereditary; Tumor predisposition; Hereditary Cancer Syndrome; Hereditary neoplastic syndrome. Identifiers: Orphanet 140162, MedGen C0027672, MeSH D009386, MONDO:0015356.
Familial cancer of breast. Also called: BREAST CANCER, FAMILIAL; Hereditary breast cancer; hereditary breast carcinoma. Identifiers: Orphanet 227535, MedGen C0346153, MONDO:0016419, OMIM 114480. Disease mechanism: loss of function.
Malignant tumor of breast. Also called: Malignant breast neoplasm; Cancer breast. Identifiers: MedGen C0006142, MONDO:0007254. Disease mechanism: loss of function.

Allele frequency attached by ClinVar (database versions not stated): gnomAD exomes below 0.00001; gnomAD 0.00001; TOPMed 0.00002.
gnomAD v4.1: 39 of 1,609,540 alleles (0.0024%); highest among the groups gnomAD compares: Non-Finnish European, 0.0032%; no homozygotes.

Submissions (6):

Labcorp Genetics (formerly Invitae), Labcorp
Classification: Uncertain significance for Familial cancer of breast. Last evaluated: 2025-11-11. Review status: criteria provided, single submitter. Criteria: Invitae Variant Classification Sherloc (09022015). Collection method: clinical testing. Allele origin: germline.
Comment: This sequence change replaces serine, which is neutral and polar, with proline, which is neutral and non-polar, at codon 279 of the BARD1 protein (p.Ser279Pro). This variant is present in population databases (rs587781456, gnomAD 0.0009%). This missense change has been observed in individual(s) with breast cancer (PMID: 32885271). ClinVar contains an entry for this variant (Variation ID: 141051). An algorithm developed to predict the effect of missense changes on protein structure and function (PolyPhen-2) suggests that this variant is likely to be tolerated. Experimental studies have shown that this missense change does not substantially affect BARD1 function (PMID: 26350354). In summary, the available evidence is currently insufficient to determine the role of this variant in disease. Therefore, it has been classified as a Variant of Uncertain Significance.

Color Diagnostics, LLC DBA Color Health
Classification: Uncertain significance for Hereditary cancer-predisposing syndrome. Last evaluated: 2025-08-11. Review status: criteria provided, single submitter. Criteria: ACMG Guidelines, 2015. Collection method: clinical testing. Allele origin: germline.
Comment: This missense variant replaces serine with proline at codon 279 of the BARD1 protein. Computational prediction suggests that this variant may not impact protein structure and function. A functional study has reported that cells carrying the variant protein had homology-directed DNA repair activity similar to cells with the wild-type protein (PMID: 26350354). This variant has been reported in individuals affected with breast cancer (PMID: 32885271, 33471991). This variant has been identified in 1/246006 chromosomes in the general population by the Genome Aggregation Database (gnomAD). The available evidence is insufficient to determine the role of this variant in disease conclusively. Therefore, this variant is classified as a Variant of Uncertain Significance.

GeneDx
Classification: Uncertain significance. Last evaluated: 2024-11-19. Review status: criteria provided, single submitter. Criteria: GeneDx Variant Classification Process June 2021. Collection method: clinical testing. Allele origin: germline. Affected: yes.
Comment: Not observed at significant frequency in large population cohorts (gnomAD); In silico analysis indicates that this missense variant does not alter protein structure/function; Published functional studies showed homology-directed repair activity similar to wild type (PMID: 26350354); This variant is associated with the following publications: (PMID: 26350354)

Quest Diagnostics Nichols Institute San Juan Capistrano
Classification: Uncertain significance. Last evaluated: 2024-02-28. Review status: criteria provided, single submitter. Criteria: Quest Diagnostics criteria. Collection method: clinical testing. Allele origin: unknown.
Comment: The BARD1 c.835T>C (p.Ser279Pro) variant has been reported in the published literature in individuals with breast cancer (PMID: 32885271 (2021) and 33471991 (2021), see also LOVD). A functional study showed that this variant had similar homology-directed DNA repair activity to that of wildtype (PMID: 26350354 (2015)). The frequency of this variant in the general population, 0.0000041 (1/246006 chromosomes (Genome Aggregation Database)), is uninformative in the assessment of its pathogenicity. Analysis of this variant using bioinformatics tools for the prediction of the effect of amino acid changes on protein structure and function yielded predictions that this variant is benign. Based on the available information, we are unable to determine the clinical significance of this variant.

Ambry Genetics
Classification: Likely benign for Hereditary cancer-predisposing syndrome. Last evaluated: 2020-10-10. Review status: criteria provided, single submitter. Criteria: Ambry Variant Classification Scheme 2023. Collection method: clinical testing. Allele origin: germline.

Department of Pathology and Laboratory Medicine, Sinai Health System
Classification: Uncertain significance for Malignant tumor of breast. Review status: no assertion criteria provided. Collection method: clinical testing. Allele origin: unknown. Affected: yes. Study: The Canadian Open Genetics Repository (COGR). Not counted in ClinVar's aggregate classification.
Comment: The BARD1 p.Ser279Pro variant was not identified in the literature. The variant was identified in dbSNP (rs587781456) as â€šÃ„Ãºwith uncertain significance alleleâ€šÃ„Ã¹ and ClinVar (classified as uncertain significance by Invitae, Color, GeneDx and Ambry Genetics). The variant was identified in control databases in 1 of 246,006 chromosomes at a frequency of 0.000004 (Genome Aggregation Database Feb 27, 2017). The variant was observed in the European population in 1 of 111,724 chromosomes (freq: 0.000009), but not in the African, Latino, Ashkenazi Jewish, East Asian, Finnish, Other or South Asian populations. In vitro expression of the variant retained normal levels of BARD1 protein and did not alter homology-directed repair activity (Lee 2015). The p.Ser279 residue is conserved in mammals but not in more distantly related organisms however four out of five computational analyses (PolyPhen-2, SIFT, AlignGVGD, BLOSUM, MutationTaster) do not suggest a high likelihood of impact to the protein; this information is not predictive enough to rule out pathogenicity. The variant occurs outside of the splicing consensus sequence and in silico or computational prediction software programs (SpliceSiteFinder, MaxEntScan, NNSPLICE, GeneSplicer) do not predict a difference in splicing. In summary, based on the above information, the clinical significance of this variant cannot be determined with certainty at this time. This variant is classified as a variant of uncertain significance.

Literature cited by the submitters: PubMed 32885271 (cited by 3 submitters); PubMed 26350354 (cited by 3 submitters); PubMed 33471991 (cited by Color Diagnostics, LLC DBA Color Health and Quest Diagnostics Nichols Institute San Juan Capistrano).